The following is an entry in ClinVar:

ClinVar aggregate classification (germline): Uncertain significance (1 of 4 stars; one submission).

gnomAD v4.1: 387 of 1,611,042 alleles (0.024%); highest among the groups gnomAD compares: Middle Eastern, 0.13%; no homozygotes.

Submission:

GeneDx
Classification: Uncertain significance. Last evaluated: 2025-06-11. Review status: criteria provided, single submitter. Criteria: GeneDx Variant Classification Process June 2021. Collection method: clinical testing. Allele origin: germline. Affected: yes.
Comment: In silico analysis suggests that this missense variant does not alter protein structure/function; Has not been previously published as pathogenic or benign to our knowledge

NM_001135629.3(PPP1R21):c.1333T>C (p.Tyr445His)

Gene: PPP1R21 (protein phosphatase 1 regulatory subunit 21; plus strand). Cytogenetic location: 2p16.3.
Variant type: single nucleotide variant.
Coding change: c.1333T>C on transcript NM_001135629.3 (MANE Select); coding-DNA position 1333, T replaced by C.
Protein change: p.Tyr445His; replaces tyrosine 445 with histidine.
Molecular consequence: missense variant. On other transcripts: non-coding transcript variant (1).
Genome position (GRCh38, 1-based): chr2:48,486,645, T>C. VCF-style: chr2-48486645-T-C. GRCh37 (hg19) VCF-style: chr2-48713784-T-C.
Other names: c.1333T>C, p.Tyr445His (NM_001193475.2, NM_152994.5); short protein forms Y445H.
Identifiers: ClinVar variation 4537565 (VCV004537565.1).